The following is an entry in ClinVar:

NM_002691.4(POLD1):c.3067G>C (p.Gly1023Arg)

Gene: POLD1 (DNA polymerase delta 1, catalytic subunit; plus strand). Cytogenetic location: 19q13.33.
Variant type: single nucleotide variant.
Coding change: c.3067G>C on transcript NM_002691.4 (MANE Select); coding-DNA position 3067, G replaced by C.
Protein change: p.Gly1023Arg; replaces glycine 1023 with arginine.
Molecular consequence: missense variant. On other transcripts: non-coding transcript variant (1).
Genome position (GRCh38, 1-based): chr19:50,416,723, G>C. VCF-style: chr19-50416723-G-C. GRCh37 (hg19) VCF-style: chr19-50919980-G-C.
Other names: c.3067G>C, p.Gly1023Arg (NM_001256849.1); c.3145G>C, p.Gly1049Arg (NM_001308632.1); c.3067G>C (NM_002691.2); short protein forms G1049R, G1023R.
Identifiers: ClinVar variation 1940080 (VCV001940080.6), dbSNP rs2514070512, ClinGen allele CA406987033.

ClinVar aggregate classification (germline): Conflicting classifications of pathogenicity. Review status: criteria provided, conflicting classifications (1 of 4 stars). 2 submissions from 2 submitters: Uncertain significance (1); Likely benign (1). Last evaluated 2025-10-16.

Conditions:
POLD1-related polyposis and colorectal cancer syndrome (CRCS10). Also called: Colorectal cancer 10; COLORECTAL CANCER, SUSCEPTIBILITY TO, ON CHROMOSOME 19q; Colorectal cancer, susceptibility to, 10. Identifiers: Orphanet 220460, MedGen C2675481, MONDO:0012953, OMIM 612591.
Hereditary cancer-predisposing syndrome. Also called: Tumor predisposition; Hereditary Cancer Syndrome; Hereditary neoplastic syndrome; Neoplastic Syndromes, Hereditary. Identifiers: Orphanet 140162, MedGen C0027672, MeSH D009386, MONDO:0015356.

Submissions (2):

Ambry Genetics
Classification: Likely benign for Hereditary cancer-predisposing syndrome. Last evaluated: 2025-10-16. Review status: criteria provided, single submitter. Criteria: Ambry Variant Classification Scheme 2023. Collection method: clinical testing. Allele origin: germline.

Labcorp Genetics (formerly Invitae), Labcorp
Classification: Uncertain significance for POLD1-related polyposis and colorectal cancer syndrome. Last evaluated: 2022-08-26. Review status: criteria provided, single submitter. Criteria: Invitae Variant Classification Sherloc (09022015). Collection method: clinical testing. Allele origin: germline.
Comment: This sequence change replaces glycine, which is neutral and non-polar, with arginine, which is basic and polar, at codon 1023 of the POLD1 protein (p.Gly1023Arg). This variant also falls at the last nucleotide of exon 24, which is part of the consensus splice site for this exon. This variant is not present in population databases (gnomAD no frequency). This variant has not been reported in the literature in individuals affected with POLD1-related conditions. Algorithms developed to predict the effect of missense changes on protein structure and function are either unavailable or do not agree on the potential impact of this missense change (SIFT: "Tolerated"; PolyPhen-2: "Possibly Damaging"; Align-GVGD: "Class C0"). Variants that disrupt the consensus splice site are a relatively common cause of aberrant splicing (PMID: 17576681, 9536098). Algorithms developed to predict the effect of sequence changes on RNA splicing suggest that this variant may create or strengthen a splice site. In summary, the available evidence is currently insufficient to determine the role of this variant in disease. Therefore, it has been classified as a Variant of Uncertain Significance.

Literature cited by the submitters: PubMed 17576681 (cited by Labcorp Genetics (formerly Invitae), Labcorp); PubMed 9536098 (cited by Labcorp Genetics (formerly Invitae), Labcorp).